The following is an entry in ClinVar:

ClinVar aggregate classification (germline): Uncertain significance (1 of 4 stars; one submission).

Conditions:
Primary ciliary dyskinesia. Also called: Ciliary dyskinesia. Identifiers: Orphanet 244, MedGen C0008780, MONDO:0016575, HP:0012265.

Submission:

Labcorp Genetics (formerly Invitae), Labcorp
Classification: Uncertain significance for Primary ciliary dyskinesia. Last evaluated: 2025-11-10. Review status: criteria provided, single submitter. Criteria: Invitae Variant Classification Sherloc (09022015). Collection method: clinical testing. Allele origin: germline.
Comment: This sequence change replaces proline, which is neutral and non-polar, with leucine, which is neutral and non-polar, at codon 2323 of the DNAH8 protein (p.Pro2323Leu). This variant is not present in population databases (gnomAD no frequency). This variant has not been reported in the literature in individuals affected with DNAH8-related conditions. ClinVar contains an entry for this variant (Variation ID: 2046499). Invitae Evidence Modeling of protein sequence and biophysical properties (such as structural, functional, and spatial information, amino acid conservation, physicochemical variation, residue mobility, and thermodynamic stability) indicates that this missense variant is not expected to disrupt DNAH8 protein function with a negative predictive value of 80%. In summary, the available evidence is currently insufficient to determine the role of this variant in disease. Therefore, it has been classified as a Variant of Uncertain Significance.

NM_001206927.2(DNAH8):c.6968C>T (p.Pro2323Leu)

Gene: DNAH8 (dynein axonemal heavy chain 8; plus strand). Cytogenetic location: 6p21.2.
Variant type: single nucleotide variant.
Coding change: c.6968C>T on transcript NM_001206927.2 (MANE Select); coding-DNA position 6968, C replaced by T.
Protein change: p.Pro2323Leu; replaces proline 2323 with leucine.
Molecular consequence: missense variant.
Genome position (GRCh38, 1-based): chr6:38,870,540, C>T. VCF-style: chr6-38870540-C-T. GRCh37 (hg19) VCF-style: chr6-38838316-C-T.
Other names: c.6317C>T, p.Pro2106Leu (NM_001371.4); short protein forms P2106L, P2323L.
Identifiers: ClinVar variation 2046499 (VCV002046499.4), dbSNP rs1034546923, ClinGen allele CA364026360.